The following is an entry in ClinVar:

NM_005094.4(SLC27A4):c.1745T>C (p.Leu582Pro)

Gene: SLC27A4 (solute carrier family 27 member 4; plus strand). Cytogenetic location: 9q34.11.
Variant type: single nucleotide variant.
Coding change: c.1745T>C on transcript NM_005094.4 (MANE Select); coding-DNA position 1745, T replaced by C.
Protein change: p.Leu582Pro; replaces leucine 582 with proline.
Molecular consequence: missense variant.
Genome position (GRCh38, 1-based): chr9:128,355,767, T>C. VCF-style: chr9-128355767-T-C. GRCh37 (hg19) VCF-style: chr9-131118046-T-C.
Other names: short protein forms L582P.
Identifiers: ClinVar variation 4686133 (VCV004686133.1).

ClinVar aggregate classification (germline): Uncertain significance (1 of 4 stars; one submission).

gnomAD v4.1: 2 of 1,613,606 alleles (0.00012%); highest among the groups gnomAD compares: African/African-American, 0.0013%; no homozygotes.

Submission:

GeneDx
Classification: Uncertain significance. Last evaluated: 2025-07-14. Review status: criteria provided, single submitter. Criteria: GeneDx Variant Classification Process June 2021. Collection method: clinical testing. Allele origin: germline. Affected: yes.
Comment: Has not been previously published as pathogenic or benign to our knowledge; Not observed at significant frequency in large population cohorts (gnomAD); In silico analysis supports that this missense variant has a deleterious effect on protein structure/function